The following is an entry in ClinVar:

NM_001148.6(ANK2):c.3178G>A (p.Val1060Ile)

Gene: ANK2 (ankyrin 2; plus strand). Cytogenetic location: 4q26.
Variant type: single nucleotide variant.
Coding change: c.3178G>A on transcript NM_001148.6 (MANE Select); coding-DNA position 3178, G replaced by A.
Protein change: p.Val1060Ile; replaces valine 1060 with isoleucine.
Molecular consequence: missense variant. On other transcripts: intron variant (42).
Genome position (GRCh38, 1-based): chr4:113,332,024, G>A. VCF-style: chr4-113332024-G-A. GRCh37 (hg19) VCF-style: chr4-114253180-G-A.
Other names: c.3151G>A, p.Val1051Ile (NM_001127493.3); c.3190G>A, p.Val1064Ile (NM_001354225.2); c.3220G>A, p.Val1074Ile (NM_001354231.2, NM_001354242.2); c.3214G>A, p.Val1072Ile (NM_001354232.2); c.3175G>A, p.Val1059Ile (NM_001354235.2, NM_001354246.2, NM_001354265.2); c.3256G>A, p.Val1086Ile (NM_001354237.2); c.3148G>A, p.Val1050Ile (NM_001354239.2, NM_001354252.2); c.3223G>A, p.Val1075Ile (NM_001354240.2, NM_001354241.2, NM_001386144.1); and 28 more; short protein forms V1072I, V1074I, V1038I, V1039I, V1050I, V1059I, V1060I, V1099I.
Identifiers: ClinVar variation 2724050 (VCV002724050.3), dbSNP rs2502460392, ClinGen allele CA357935484.

ClinVar aggregate classification (germline): Uncertain significance (1 of 4 stars; one submission).

Conditions:
Long QT syndrome (LQTS). Identifiers: MedGen C0023976, MeSH D008133, MONDO:0002442. Disease mechanism: loss of function. Inheritance: Various modes of inheritance.

Submission:

Labcorp Genetics (formerly Invitae), Labcorp
Classification: Uncertain significance for Long QT syndrome. Last evaluated: 2023-04-07. Review status: criteria provided, single submitter. Criteria: Invitae Variant Classification Sherloc (09022015). Collection method: clinical testing. Allele origin: germline.
Comment: This variant is not present in population databases (gnomAD no frequency). This sequence change replaces valine, which is neutral and non-polar, with isoleucine, which is neutral and non-polar, at codon 1060 of the ANK2 protein (p.Val1060Ile). In summary, the available evidence is currently insufficient to determine the role of this variant in disease. Therefore, it has been classified as a Variant of Uncertain Significance. Advanced modeling of protein sequence and biophysical properties (such as structural, functional, and spatial information, amino acid conservation, physicochemical variation, residue mobility, and thermodynamic stability) has been performed at Invitae for this missense variant, however the output from this modeling did not meet the statistical confidence thresholds required to predict the impact of this variant on ANK2 protein function. This variant has not been reported in the literature in individuals affected with ANK2-related conditions.